The following is an entry in ClinVar:

ClinVar aggregate classification (germline): Uncertain significance (1 of 4 stars; one submission).

Submission:

Labcorp Genetics (formerly Invitae), Labcorp
Classification: Uncertain significance. Last evaluated: 2024-11-12. Review status: criteria provided, single submitter. Criteria: Invitae Variant Classification Sherloc (09022015). Collection method: clinical testing. Allele origin: germline.
Comment: This sequence change replaces arginine, which is basic and polar, with lysine, which is basic and polar, at codon 1682 of the TET2 protein (p.Arg1682Lys). This variant is not present in population databases (gnomAD no frequency). This variant has not been reported in the literature in individuals affected with TET2-related conditions. An algorithm developed to predict the effect of missense changes on protein structure and function (PolyPhen-2) suggests that this variant is likely to be disruptive. In summary, the available evidence is currently insufficient to determine the role of this variant in disease. Therefore, it has been classified as a Variant of Uncertain Significance.

NM_001127208.3(TET2):c.5045G>A (p.Arg1682Lys)

Genes: TET2 (tet methylcytosine dioxygenase 2; plus strand), TET2-AS1 (TET2 antisense RNA 1; minus strand). Cytogenetic location: 4q24.
Variant type: single nucleotide variant.
Coding change: c.5045G>A on transcript NM_001127208.3 (MANE Select); coding-DNA position 5045, G replaced by A.
Protein change: p.Arg1682Lys; replaces arginine 1682 with lysine.
Molecular consequence: missense variant.
Genome position (GRCh38, 1-based): chr4:105,275,555, G>A. VCF-style: chr4-105275555-G-A. GRCh37 (hg19) VCF-style: chr4-106196712-G-A.
Other names: short protein forms R1682K.
Identifiers: ClinVar variation 3675420 (VCV003675420.2).